The following is an entry in ClinVar:

ClinVar aggregate classification (germline): Benign/Likely benign. Review status: criteria provided, multiple submitters, no conflicts (2 of 4 stars). 7 submissions from 7 submitters: Benign (1); Likely benign (5). 1 of the submissions does not count toward it. Last evaluated 2026-01-19.

Conditions:
Hereditary cancer-predisposing syndrome. Also called: Tumor predisposition; Hereditary neoplastic syndrome; Hereditary Cancer Syndrome; Neoplastic Syndromes, Hereditary. Identifiers: Orphanet 140162, MedGen C0027672, MeSH D009386, MONDO:0015356.
Gorlin syndrome. Also called: Basal cell nevus syndrome; Nevoid Basal Cell Carcinoma Syndrome. Identifiers: Orphanet 377, MedGen C0004779, MONDO:0007187.
PTCH1-related disorder. Also called: PTCH1-related disorders; PTCH1-related condition.

Allele frequency attached by ClinVar (database versions not stated): TOPMed 0.00009; gnomAD 0.00010; ESP Exome Variant Server 0.00015; gnomAD exomes 0.00002 and 0.00004; ExAC 0.00003.
gnomAD v4.1: 46 of 1,613,932 alleles (0.0029%); highest among the groups gnomAD compares: African/African-American, 0.033%; no homozygotes.

Submissions (7):

Labcorp Genetics (formerly Invitae), Labcorp
Classification: Likely benign for Gorlin syndrome. Last evaluated: 2026-01-19. Review status: criteria provided, single submitter. Criteria: Invitae Variant Classification Sherloc (09022015). Collection method: clinical testing. Allele origin: germline.

CeGaT Center for Human Genetics Tuebingen
Classification: Likely benign. Last evaluated: 2025-06-01. Review status: criteria provided, single submitter. Criteria: CeGaT Center For Human Genetics Tuebingen Variant Classification Criteria Version 2. Collection method: clinical testing. Allele origin: germline. Affected: yes. Observed: 1 variant allele.
Comment: PTCH1: BP4, BP7

ARUP Laboratories, Molecular Genetics and Genomics, ARUP Laboratories
Classification: Likely benign. Last evaluated: 2023-09-18. Review status: criteria provided, single submitter. Criteria: ARUP Molecular Germline Variant Investigation Process 2024. Collection method: clinical testing. Allele origin: germline.

Quest Diagnostics Nichols Institute San Juan Capistrano
Classification: Benign. Last evaluated: 2023-04-11. Review status: criteria provided, single submitter. Criteria: Quest Diagnostics criteria. Collection method: clinical testing. Allele origin: unknown.

Ambry Genetics
Classification: Likely benign for Hereditary cancer-predisposing syndrome. Last evaluated: 2017-05-08. Review status: criteria provided, single submitter. Criteria: Ambry Variant Classification Scheme 2023. Collection method: clinical testing. Allele origin: germline.

Breakthrough Genomics
Classification: Likely benign. Review status: criteria provided, single submitter. Criteria: ACMG Guidelines, 2015. Collection method: not provided. Allele origin: germline. Inheritance: Autosomal dominant inheritance. Affected: yes.

PreventionGenetics, part of Exact Sciences
Classification: Likely benign for PTCH1-related condition. Last evaluated: 2024-06-03. Review status: no assertion criteria provided. Collection method: clinical testing. Allele origin: germline. Not counted in ClinVar's aggregate classification.
Comment: This variant is classified as likely benign based on ACMG/AMP sequence variant interpretation guidelines (Richards et al. 2015 PMID: 25741868, with internal and published modifications).

NM_000264.5(PTCH1):c.2859C>T (p.Ala953=)

Gene: PTCH1 (patched 1; minus strand). Cytogenetic location: 9q22.32.
Variant type: single nucleotide variant.
Coding change: c.2859C>T on transcript NM_000264.5 (MANE Select); coding-DNA position 2859, C replaced by T.
Protein change: p.Ala953=; no amino-acid change (alanine 953 retained).
Molecular consequence: synonymous variant. On other transcripts: non-coding transcript variant (1).
Genome position (GRCh38, 1-based): chr9:95,459,628, G>A on the plus strand (C>T on the coding strand, the complement: PTCH1 is on the minus strand). VCF-style: chr9-95459628-G-A. GRCh37 (hg19) VCF-style: chr9-98221910-G-A.
Other names: c.2859C>T (NM_000264.4); c.2661C>T, p.Ala887= (NM_001083602.3); c.2856C>T, p.Ala952= (NM_001083603.3); c.2406C>T, p.Ala802= (NM_001083604.3, NM_001083605.3, NM_001083606.3 and 1 more transcripts); c.2703C>T, p.Ala901= (NM_001354918.2).
Identifiers: ClinVar variation 135884 (VCV000135884.28), dbSNP rs142131559, ClinGen allele CA332510.
Genomic context (GRCh38, chr9:95,459,628, plus strand): 5'-GTTCCCAGACCTCCCGATAAAACGCTACTTACTTCTCAGCCTTGTTTCAGGCATGTAGTC[G>A]GCTTTGTCGTGGACCCATTCTGGTCGGTGTGGCCGGATGTTGGCCTGGGAGGCAGCATAC-3'
Protein context (NP_000255.2, residues 943-963): PHRPEWVHDK[Ala953=]DYMPETRLRI